The following is an entry in ClinVar:

NM_007118.4(TRIO):c.4969G>A (p.Gly1657Ser)

Gene: TRIO (trio Rho guanine nucleotide exchange factor; plus strand). Cytogenetic location: 5p15.2.
Variant type: single nucleotide variant.
Coding change: c.4969G>A on transcript NM_007118.4 (MANE Select); coding-DNA position 4969, G replaced by A.
Protein change: p.Gly1657Ser; replaces glycine 1657 with serine.
Molecular consequence: missense variant. On other transcripts: non-coding transcript variant (1).
Genome position (GRCh38, 1-based): chr5:14,419,787, G>A. VCF-style: chr5-14419787-G-A. GRCh37 (hg19) VCF-style: chr5-14419896-G-A.
Other names: short protein forms G1657S.
Identifiers: ClinVar variation 5018390 (VCV005018390.1).

ClinVar aggregate classification (germline): Uncertain significance (1 of 4 stars; one submission).

Submission:

GeneDx
Classification: Uncertain significance. Last evaluated: 2026-04-09. Review status: criteria provided, single submitter. Criteria: GeneDx Variant Classification Process June 2021. Collection method: clinical testing. Allele origin: germline.
Comment: Not observed at significant frequency in large population cohorts (gnomAD); In silico analysis supports that this missense variant has a deleterious effect on protein structure/function; Has not been previously published as pathogenic or benign to our knowledge